The following is an entry in ClinVar:

ClinVar aggregate classification (germline): Uncertain significance. Review status: criteria provided, multiple submitters, no conflicts (2 of 4 stars). 2 submissions from 2 submitters: Uncertain significance (2). Last evaluated 2025-03-29.

Conditions:
Inborn genetic diseases. Identifiers: MedGen C0950123, MeSH D030342.
Primary pulmonary hypertension. Also called: Idiopathic pulmonary hypertension. Identifiers: MedGen C0152171.

Submissions (2):

Ambry Genetics
Classification: Uncertain significance for Inborn genetic diseases. Last evaluated: 2025-03-29. Review status: criteria provided, single submitter. Criteria: Ambry Variant Classification Scheme 2023. Collection method: clinical testing. Allele origin: germline.
Comment: The p.N588S variant (also known as c.1763A>G), located in coding exon 12 of the BMPR2 gene, results from an A to G substitution at nucleotide position 1763. The asparagine at codon 588 is replaced by serine, an amino acid with highly similar properties. This amino acid position is conserved. In addition, this alteration is predicted to be tolerated by in silico analysis. Based on the available evidence, the clinical significance of this variant remains unclear.

Labcorp Genetics (formerly Invitae), Labcorp
Classification: Uncertain significance for Primary pulmonary hypertension. Last evaluated: 2023-06-25. Review status: criteria provided, single submitter. Criteria: Invitae Variant Classification Sherloc (09022015). Collection method: clinical testing. Allele origin: germline.
Comment: This variant has not been reported in the literature in individuals affected with BMPR2-related conditions. This variant is not present in population databases (gnomAD no frequency). This sequence change replaces asparagine, which is neutral and polar, with serine, which is neutral and polar, at codon 588 of the BMPR2 protein (p.Asn588Ser). In summary, the available evidence is currently insufficient to determine the role of this variant in disease. Therefore, it has been classified as a Variant of Uncertain Significance. Advanced modeling of protein sequence and biophysical properties (such as structural, functional, and spatial information, amino acid conservation, physicochemical variation, residue mobility, and thermodynamic stability) performed at Invitae indicates that this missense variant is not expected to disrupt BMPR2 protein function.

NM_001204.7(BMPR2):c.1763A>G (p.Asn588Ser)

Gene: BMPR2 (bone morphogenetic protein receptor type 2; plus strand). Cytogenetic location: 2q33.2.
Variant type: single nucleotide variant.
Coding change: c.1763A>G on transcript NM_001204.7 (MANE Select); coding-DNA position 1763, A replaced by G.
Protein change: p.Asn588Ser; replaces asparagine 588 with serine.
Molecular consequence: missense variant.
Genome position (GRCh38, 1-based): chr2:202,555,428, A>G. VCF-style: chr2-202555428-A-G. GRCh37 (hg19) VCF-style: chr2-203420151-A-G.
Other names: short protein forms N588S.
Identifiers: ClinVar variation 2803852 (VCV002803852.4), dbSNP rs2468742211, ClinGen allele CA350346214.
Genomic context (GRCh38, chr2:202,555,428, plus strand): 5'-CTGAGCATTCTATGTCCAGCACACCTTTGACTATAGGGGAAAAAAACCGAAATTCAATTA[A>G]CTATGAACGACAGCAAGCACAAGCTCGAATCCCCAGCCCTGAAACAAGTGTCACCAGCCT-3'
Protein context (NP_001195.2, residues 578-598): TIGEKNRNSI[Asn588Ser]YERQQAQARI